The following is an entry in ClinVar:

ClinVar aggregate classification (germline): Uncertain significance (1 of 4 stars; one submission).

Submission:

Ambry Genetics
Classification: Uncertain significance. Last evaluated: 2024-05-25. Review status: criteria provided, single submitter. Criteria: Ambry Variant Classification Scheme 2023. Collection method: clinical testing. Allele origin: germline.
Comment: The p.C633R variant (also known as c.1897T>C), located in coding exon 17 of the BUB1 gene, results from a T to C substitution at nucleotide position 1897. The cysteine at codon 633 is replaced by arginine, an amino acid with highly dissimilar properties. This amino acid position is conserved. In addition, this alteration is predicted to be tolerated by in silico analysis. Since supporting evidence is limited at this time, the clinical significance of this alteration remains unclear.

NM_004336.5(BUB1):c.1897T>C (p.Cys633Arg)

Gene: BUB1 (BUB1 mitotic checkpoint serine/threonine kinase; minus strand). Cytogenetic location: 2q13.
Variant type: single nucleotide variant.
Coding change: c.1897T>C on transcript NM_004336.5 (MANE Select); coding-DNA position 1897, T replaced by C.
Protein change: p.Cys633Arg; replaces cysteine 633 with arginine.
Molecular consequence: missense variant.
Genome position (GRCh38, 1-based): chr2:110,653,503, A>G on the plus strand (T>C on the coding strand, the complement: BUB1 is on the minus strand). VCF-style: chr2-110653503-A-G. GRCh37 (hg19) VCF-style: chr2-111411080-A-G.
Other names: c.1837T>C, p.Cys613Arg (NM_001278616.2); c.1897T>C, p.Cys633Arg (NM_001278617.2); short protein forms C613R, C633R.
Identifiers: ClinVar variation 1782190 (VCV001782190.3), dbSNP rs1025621343, ClinGen allele CA348210358.
Genomic context (GRCh38, chr2:110,653,503, plus strand): 5'-TTCCATCCCTTGAAGGCACCACCATGTTTTCCTCACAAGAATCCAAAGTCGCCTGGGTAC[A>G]CTGTTTTGCTACCACATTTTCTGAAAGATTCAAAAATTAGAGACAAGATATGTTAGATGC-3'
Protein context (NP_004327.1, residues 623-643): EDKENVVAKQ[Cys633Arg]TQATLDSCEE